The following is an entry in ClinVar:

ClinVar aggregate classification (germline): Uncertain significance. Review status: criteria provided, multiple submitters, no conflicts (2 of 4 stars). 2 submissions from 2 submitters: Uncertain significance (2). Last evaluated 2025-02-11.

Conditions:
Cardiomyopathy (CMYO). Also called: Cardiomyopathies. Identifiers: Orphanet 167848, MedGen C0878544, MONDO:0004994, HP:0001638. Inheritance: Various modes of inheritance.
Hypertrophic cardiomyopathy. Also called: HYPERTROPHIC MYOCARDIOPATHY. Identifiers: Orphanet 217569, MedGen C0007194, MeSH D002312, MONDO:0005045, HP:0001639.

Allele frequency attached by ClinVar (database versions not stated): gnomAD exomes below 0.00001.
gnomAD v4.1: 2 of 1,614,138 alleles (0.00012%); highest among the groups gnomAD compares: Non-Finnish European, 0.00017%; no homozygotes.

Submissions (2):

Labcorp Genetics (formerly Invitae), Labcorp
Classification: Uncertain significance for Hypertrophic cardiomyopathy. Last evaluated: 2025-02-11. Review status: criteria provided, single submitter. Criteria: Invitae Variant Classification Sherloc (09022015). Collection method: clinical testing. Allele origin: germline.
Comment: This sequence change replaces alanine, which is neutral and non-polar, with valine, which is neutral and non-polar, at codon 1543 of the MYH7 protein (p.Ala1543Val). This variant is not present in population databases (gnomAD no frequency). This variant has not been reported in the literature in individuals affected with MYH7-related conditions. ClinVar contains an entry for this variant (Variation ID: 925049). Invitae Evidence Modeling of protein sequence and biophysical properties (such as structural, functional, and spatial information, amino acid conservation, physicochemical variation, residue mobility, and thermodynamic stability) indicates that this missense variant is expected to disrupt MYH7 protein function with a positive predictive value of 95%. In summary, the available evidence is currently insufficient to determine the role of this variant in disease. Therefore, it has been classified as a Variant of Uncertain Significance.

Color Diagnostics, LLC DBA Color Health
Classification: Uncertain significance for Cardiomyopathy. Last evaluated: 2019-03-11. Review status: criteria provided, single submitter. Criteria: ACMG Guidelines, 2015. Collection method: clinical testing. Allele origin: germline.
Comment: Variant of Uncertain Significance due to insufficient evidence: This missense variant replaces alanine with valine at codon 1543 of the MYH7 protein. Computational prediction tools and conservation analyses suggest that this variant may have deleterious impact on the protein function. Computational splicing tools suggest that this variant may not impact RNA splicing. To our knowledge, functional assays have not been performed for this variant nor has this variant been reported in individuals affected with cardiovascular disorders in the literature. This variant is rare in the general population and has been identified in 0/277264 chromosomes by the Genome Aggregation Database (gnomAD). Available evidence is insufficient to determine the role of this variant in disease conclusively.

NM_000257.4(MYH7):c.4628C>T (p.Ala1543Val)

Genes: MHRT (myosin heavy chain associated RNA transcript; plus strand), MYH7 (myosin heavy chain 7; minus strand). Cytogenetic location: 14q11.2.
Variant type: single nucleotide variant.
Coding change: c.4628C>T on transcript NM_000257.4 (MANE Select); coding-DNA position 4628, C replaced by T.
Protein change: p.Ala1543Val; replaces alanine 1543 with valine.
Molecular consequence: missense variant.
Genome position (GRCh38, 1-based): chr14:23,416,884, G>A on the plus strand (C>T on the coding strand, the complement: MYH7 is on the minus strand). VCF-style: chr14-23416884-G-A. GRCh37 (hg19) VCF-style: chr14-23886093-G-A.
Other names: short protein forms A1543V.
Identifiers: ClinVar variation 925049 (VCV000925049.6), dbSNP rs1892235051, ClinGen allele CA389037989.